The following is an entry in ClinVar:

NM_005431.2(XRCC2):c.619GAA[1] (p.Glu208del)

Gene: XRCC2 (X-ray repair cross complementing 2; minus strand). Cytogenetic location: 7q36.1.
Variant type: Microsatellite.
Coding change: c.619GAA[1] on transcript NM_005431.2 (MANE Select); one copy of the 3-base unit GAA starting at c.619; the reference has two copies in a row; one copy, 3 bases deleted.
Protein change: p.Glu208del; deletes glutamic acid 208.
Molecular consequence: inframe deletion.
Genome position (GRCh38, 1-based): chr7:152,648,861-152,648,863, TTC deleted on the plus strand (GAA on the coding strand, the reverse complement: XRCC2 is on the minus strand); deleting any 3 consecutive bases within chr7:152,648,861-152,648,867 gives the same sequence; the position shown is the placement nearest the transcript's 3' end. VCF-style (leftmost placement, unchanged base first): chr7-152648860-GTTC-G. GRCh37 (hg19) VCF-style: chr7-152345945-GTTC-G.
Other names: c.622_624delGAA (NM_005431.1); short protein forms E208del.
Identifiers: ClinVar variation 951190 (VCV000951190.11), dbSNP rs2098027232, ClinGen allele CA1753246944.

ClinVar aggregate classification (germline): Uncertain significance. Review status: criteria provided, multiple submitters, no conflicts (2 of 4 stars). 2 submissions from 2 submitters: Uncertain significance (2). Last evaluated 2022-11-21.

Conditions:
Hereditary cancer-predisposing syndrome. Also called: Tumor predisposition; Hereditary neoplastic syndrome; Neoplastic Syndromes, Hereditary; Hereditary Cancer Syndrome. Identifiers: Orphanet 140162, MedGen C0027672, MeSH D009386, MONDO:0015356.

Submissions (2):

Ambry Genetics
Classification: Uncertain significance for Hereditary cancer-predisposing syndrome. Last evaluated: 2022-11-21. Review status: criteria provided, single submitter. Criteria: Ambry Variant Classification Scheme 2023. Collection method: clinical testing. Allele origin: germline.
Comment: The c.622_624delGAA variant (also known as p.E208del) is located in coding exon 3 of the XRCC2 gene. This variant results from an in-frame GAA deletion at nucleotide positions 622 to 624. This results in the in-frame deletion of a glutamic acid at codon 208. This amino acid position is poorly conserved in available vertebrate species. In addition, this alteration is predicted to be neutral by in silico analysis (Choi Y et al. PLoS ONE. 2012; 7(10):e46688). Since supporting evidence is limited at this time, the clinical significance of this alteration remains unclear.

Labcorp Genetics (formerly Invitae), Labcorp
Classification: Uncertain significance. Last evaluated: 2022-03-31. Review status: criteria provided, single submitter. Criteria: Invitae Variant Classification Sherloc (09022015). Collection method: clinical testing. Allele origin: germline.
Comment: This variant, c.622_624del, results in the deletion of 1 amino acid(s) of the XRCC2 protein (p.Glu208del), but otherwise preserves the integrity of the reading frame. This variant is not present in population databases (gnomAD no frequency). In summary, the available evidence is currently insufficient to determine the role of this variant in disease. Therefore, it has been classified as a Variant of Uncertain Significance. Experimental studies and prediction algorithms are not available or were not evaluated, and the functional significance of this variant is currently unknown. ClinVar contains an entry for this variant (Variation ID: 951190). This variant has not been reported in the literature in individuals affected with XRCC2-related conditions.